The following is an entry in ClinVar:

ClinVar aggregate classification (germline): Uncertain significance (1 of 4 stars; one submission).

Allele frequency attached by ClinVar (database versions not stated): TOPMed 0.00001; ExAC 0.00002; gnomAD 0.00002; gnomAD exomes 0.00003.
gnomAD v4.1: 43 of 1,611,224 alleles (0.0027%); highest among the groups gnomAD compares: Middle Eastern, 0.017%; no homozygotes.

Submission:

Labcorp Genetics (formerly Invitae), Labcorp
Classification: Uncertain significance. Last evaluated: 2022-09-23. Review status: criteria provided, single submitter. Criteria: Invitae Variant Classification Sherloc (09022015). Collection method: clinical testing. Allele origin: germline.
Comment: This sequence change replaces arginine, which is basic and polar, with tryptophan, which is neutral and slightly polar, at codon 1419 of the CARMIL2 protein (p.Arg1419Trp). The frequency data for this variant in the population databases is considered unreliable, as metrics indicate poor data quality at this position in the gnomAD database. This variant has not been reported in the literature in individuals affected with CARMIL2-related conditions. Algorithms developed to predict the effect of missense changes on protein structure and function output the following: SIFT: "Deleterious"; PolyPhen-2: "Benign"; Align-GVGD: "Class C0". The tryptophan amino acid residue is found in multiple mammalian species, which suggests that this missense change does not adversely affect protein function. In summary, the available evidence is currently insufficient to determine the role of this variant in disease. Therefore, it has been classified as a Variant of Uncertain Significance.

NM_001013838.3(CARMIL2):c.4255C>T (p.Arg1419Trp)

Gene: CARMIL2 (capping protein regulator and myosin 1 linker 2; plus strand). Cytogenetic location: 16q22.1.
Variant type: single nucleotide variant.
Coding change: c.4255C>T on transcript NM_001013838.3 (MANE Select); coding-DNA position 4255, C replaced by T.
Protein change: p.Arg1419Trp; replaces arginine 1419 with tryptophan.
Molecular consequence: missense variant.
Genome position (GRCh38, 1-based): chr16:67,657,465, C>T. VCF-style: chr16-67657465-C-T. GRCh37 (hg19) VCF-style: chr16-67691368-C-T.
Other names: c.4066C>T, p.Arg1356Trp (NM_001317026.3); short protein forms R1356W, R1419W.
Identifiers: ClinVar variation 2157559 (VCV002157559.1), dbSNP rs766853064, ClinGen allele CA8114312.
Genomic context (GRCh38, chr16:67,657,465, plus strand): 5'-GGATCTGGCCTTGGAACCGAGCCTCTGCCCCCACAGCCCACAGAGCCCTCCAGCCCTGAG[C>T]GGAGCCCACCCTCCCCAGCCACAGACCAAAGAGGCGGCGGCCCCAATCCCTGATCCTCTC-3'
Protein context (NP_001013860.1, residues 1409-1429): PQPTEPSSPE[Arg1419Trp]SPPSPATDQR